The following is an entry in ClinVar:

NM_018652.5(GOLGA6B):c.1092C>T (p.Asn364=)

Gene: GOLGA6B (golgin A6 family member B; plus strand). Cytogenetic location: 15q24.1.
Variant type: single nucleotide variant.
Coding change: c.1092C>T on transcript NM_018652.5 (MANE Select); coding-DNA position 1092, C replaced by T.
Protein change: p.Asn364=; no amino-acid change (asparagine 364 retained).
Molecular consequence: synonymous variant.
Genome position (GRCh38, 1-based): chr15:72,662,496, C>T. VCF-style: chr15-72662496-C-T. GRCh37 (hg19) VCF-style: chr15-72954837-C-T.
Identifiers: ClinVar variation 2645513 (VCV002645513.24), dbSNP rs375343704, ClinGen allele CA7645992.

ClinVar aggregate classification (germline): Likely benign (1 of 4 stars; one submission).

Allele frequency attached by ClinVar (database versions not stated): gnomAD 0.00036; gnomAD exomes 0.00037; ExAC 0.00070; 1000 Genomes Project 30x 0.00078; 1000 Genomes Project 0.00080; ESP Exome Variant Server 0.00111.
gnomAD v4.1: 543 of 1,441,950 alleles (0.038%); highest among the groups gnomAD compares: Admixed American, 0.024%; 85 homozygotes.

Submission:

CeGaT Center for Human Genetics Tuebingen
Classification: Likely benign. Last evaluated: 2022-07-01. Review status: criteria provided, single submitter. Criteria: CeGaT Center For Human Genetics Tuebingen Variant Classification Criteria Version 2. Collection method: clinical testing. Allele origin: germline. Affected: yes. Observed: 2 variant alleles.
Comment: GOLGA6B: BP4